The following is an entry in ClinVar:

ClinVar aggregate classification (germline): Uncertain significance (1 of 4 stars; one submission).

Conditions:
Familial adenomatous polyposis 1 (FAP1). Also called: FAMILIAL ADENOMATOUS POLYPOSIS 1, ATTENUATED; POLYPOSIS, ADENOMATOUS INTESTINAL. Identifiers: MedGen C2713442, MONDO:0021056, OMIM 175100. Disease mechanism: loss of function.

Submission:

Labcorp Genetics (formerly Invitae), Labcorp
Classification: Uncertain significance for Familial adenomatous polyposis 1. Last evaluated: 2024-12-18. Review status: criteria provided, single submitter. Criteria: Invitae Variant Classification Sherloc (09022015). Collection method: clinical testing. Allele origin: germline.
Comment: This sequence change replaces lysine, which is basic and polar, with threonine, which is neutral and polar, at codon 1878 of the APC protein (p.Lys1878Thr). This variant is not present in population databases (gnomAD no frequency). This variant has not been reported in the literature in individuals affected with APC-related conditions. Invitae Evidence Modeling of protein sequence and biophysical properties (such as structural, functional, and spatial information, amino acid conservation, physicochemical variation, residue mobility, and thermodynamic stability) indicates that this missense variant is not expected to disrupt APC protein function with a negative predictive value of 95%. In summary, the available evidence is currently insufficient to determine the role of this variant in disease. Therefore, it has been classified as a Variant of Uncertain Significance.

NM_000038.6(APC):c.5633A>C (p.Lys1878Thr)

Gene: APC (APC regulator of Wnt signaling pathway; plus strand). Cytogenetic location: 5q22.2.
Variant type: single nucleotide variant.
Coding change: c.5633A>C on transcript NM_000038.6 (MANE Select); coding-DNA position 5633, A replaced by C.
Protein change: p.Lys1878Thr; replaces lysine 1878 with threonine.
Molecular consequence: missense variant. On other transcripts: non-coding transcript variant (2).
Genome position (GRCh38, 1-based): chr5:112,841,227, A>C. VCF-style: chr5-112841227-A-C. GRCh37 (hg19) VCF-style: chr5-112176924-A-C.
Other names: c.5633A>C, p.Lys1878Thr (NM_001127510.3, NM_001354895.2, NM_001407450.1); c.5579A>C, p.Lys1860Thr (NM_001127511.3); c.5687A>C, p.Lys1896Thr (NM_001354896.2, NM_001407447.1, NM_001407448.1 and 1 more transcripts); c.5663A>C, p.Lys1888Thr (NM_001354897.2); c.5558A>C, p.Lys1853Thr (NM_001354898.2); c.5549A>C, p.Lys1850Thr (NM_001354899.2); c.5510A>C, p.Lys1837Thr (NM_001354900.2); c.5456A>C, p.Lys1819Thr (NM_001354901.2, NM_001407453.1); and 11 more; short protein forms K1752T, K1795T, K1819T, K1888T, K1718T, K1850T, K1853T, K1871T.
Identifiers: ClinVar variation 3631241 (VCV003631241.2).